The following is an entry in ClinVar:

NM_001288705.3(CSF1R):c.2442+2T>C

Gene: CSF1R (colony stimulating factor 1 receptor; minus strand). Cytogenetic location: 5q32.
Variant type: single nucleotide variant.
Coding change: c.2442+2T>C on transcript NM_001288705.3 (MANE Select); the canonical splice donor site of the intron after coding-DNA position 2442, T replaced by C.
Molecular consequence: splice donor variant.
Genome position (GRCh38, 1-based): chr5:150,056,217, A>G on the plus strand (T>C on the coding strand, the complement: CSF1R is on the minus strand). VCF-style: chr5-150056217-A-G. GRCh37 (hg19) VCF-style: chr5-149435780-A-G.
Other names: c.1998+2T>C (NM_001375321.1); c.2442+2T>C (NM_005211.4, NM_001375320.1, NM_001349736.2).
Identifiers: ClinVar variation 2576764 (VCV002576764.1), dbSNP rs2480949545, ClinGen allele CA361758687.

ClinVar aggregate classification (germline): Likely pathogenic (1 of 4 stars; one submission).

Submission:

GeneDx
Classification: Likely pathogenic. Last evaluated: 2023-02-21. Review status: criteria provided, single submitter. Criteria: GeneDx Variant Classification Process June 2021. Collection method: clinical testing. Allele origin: germline. Affected: yes.
Comment: Canonical splice site variant expected to result in aberrant splicing, although in the absence of functional evidence the actual effect of this sequence change is unknown.; Not observed at significant frequency in large population cohorts (gnomAD); This variant is associated with the following publications: (PMID: 27423618)